The following is an entry in ClinVar:

NM_001128918.3(MARK3):c.413-4A>G

Gene: MARK3 (microtubule affinity regulating kinase 3; plus strand). Cytogenetic location: 14q32.32.
Variant type: single nucleotide variant.
Coding change: c.413-4A>G on transcript NM_001128918.3 (MANE Select); 4 bases into the intron before coding-DNA position 413, A replaced by G.
Molecular consequence: intron variant.
Genome position (GRCh38, 1-based): chr14:103,457,138, A>G. VCF-style: chr14-103457138-A-G. GRCh37 (hg19) VCF-style: chr14-103923475-A-G.
Other names: NC_000014.8:g.103923475A>G; c.413-4A>G (NM_001128919.3, NM_002376.7, NM_001128920.3 and 2 more transcripts).
Identifiers: ClinVar variation 1321158 (VCV001321158.6), dbSNP rs2273699, ClinGen allele CA7363848.
Genomic context (GRCh38, chr14:103,457,138, plus strand): 5'-ATTTATGGGAAAATTAATACTCAGAAGTAGGATTTCTACTTACTTTTATTTCTCTCACCT[A>G]TAGGTGAAGTATTTGACTATTTGGTTGCACATGGCAGGATGAAGGAAAAAGAAGCAAGAT-3'

ClinVar aggregate classification (germline): Benign. Review status: criteria provided, multiple submitters, no conflicts (2 of 4 stars). 3 submissions from 3 submitters: Benign (2). 1 of the submissions does not count toward it. Last evaluated 2021-09-05.

Conditions:
MARK3-related disorder. Also called: MARK3-related condition.
Visual impairment and progressive phthisis bulbi. Identifiers: MedGen C4748978, MONDO:0032655, OMIM 618283.

Allele frequency attached by ClinVar (database versions not stated): 1000 Genomes Project 0.29653; gnomAD exomes 0.31445 and 0.33446; 1000 Genomes Project 30x 0.29903; gnomAD 0.33539 and 0.33739; ESP Exome Variant Server 0.35435; ExAC 0.32024; TOPMed 0.33288.
gnomAD v4.1: 526,415 of 1,572,776 alleles (33%); highest among the groups gnomAD compares: Middle Eastern, 44%; 91,062 homozygotes.

Submissions (8):

Genome-Nilou Lab
Classification: Benign for Visual impairment and progressive phthisis bulbi. Last evaluated: 2021-09-05. Review status: criteria provided, single submitter. Criteria: ACMG Guidelines, 2015. Collection method: clinical testing. Allele origin: germline. Affected: no.

Breakthrough Genomics
Classification: Benign. Review status: criteria provided, single submitter. Criteria: ACMG Guidelines, 2015. Collection method: not provided. Allele origin: germline. Inheritance: Autosomal recessive inheritance. Affected: yes.

PreventionGenetics, part of Exact Sciences
Classification: Benign for MARK3-related condition. Last evaluated: 2019-10-22. Review status: no assertion criteria provided. Collection method: clinical testing. Allele origin: germline. Not counted in ClinVar's aggregate classification.
Comment: This variant is classified as benign based on ACMG/AMP sequence variant interpretation guidelines (Richards et al. 2015 PMID: 25741868, with internal and published modifications).

Dr. Peter K. Rogan Lab, Western University
No classification provided (evidence only). Condition: Malignant lymphoma, large B-cell, diffuse. Review status: no classification provided. Collection method: in vitro. Allele origin: not applicable. Functional consequence: retained intron. Not counted in ClinVar's aggregate classification.

Dr. Peter K. Rogan Lab, Western University
No classification provided (evidence only). Condition: Malignant lymphoma, large B-cell, diffuse. Review status: no classification provided. Collection method: in vitro. Allele origin: not applicable. Functional consequence: retained intron. Not counted in ClinVar's aggregate classification.

Dr. Peter K. Rogan Lab, Western University
No classification provided (evidence only). Condition: Malignant lymphoma, large B-cell, diffuse. Review status: no classification provided. Collection method: in vitro. Allele origin: not applicable. Functional consequence: skipped exon. Not counted in ClinVar's aggregate classification.

Dr. Peter K. Rogan Lab, Western University
No classification provided (evidence only). Condition: Hepatocellular carcinoma. Review status: no classification provided. Collection method: in vitro. Allele origin: not applicable. Functional consequence: retained intron. Not counted in ClinVar's aggregate classification.

Dr. Peter K. Rogan Lab, Western University
No classification provided (evidence only). Condition: Hepatocellular carcinoma. Review status: no classification provided. Collection method: in vitro. Allele origin: not applicable. Functional consequence: retained intron. Not counted in ClinVar's aggregate classification.